The following is an entry in ClinVar:

NM_002234.4(KCNA5):c.1486G>A (p.Val496Met)

Gene: KCNA5 (potassium voltage-gated channel subfamily A member 5; plus strand). Cytogenetic location: 12p13.32.
Variant type: single nucleotide variant.
Coding change: c.1486G>A on transcript NM_002234.4 (MANE Select); coding-DNA position 1486, G replaced by A.
Protein change: p.Val496Met; replaces valine 496 with methionine.
Molecular consequence: missense variant.
Genome position (GRCh38, 1-based): chr12:5,045,633, G>A. VCF-style: chr12-5045633-G-A. GRCh37 (hg19) VCF-style: chr12-5154799-G-A.
Other names: short protein forms V496M.
Identifiers: ClinVar variation 1026851 (VCV001026851.8), dbSNP rs757749649, ClinGen allele CA6399876.

ClinVar aggregate classification (germline): Uncertain significance (1 of 4 stars; one submission).

Conditions:
Atrial fibrillation, familial, 7 (ATFB7). Identifiers: MedGen C2677106, MONDO:0012828, OMIM 612240.

Allele frequency attached by ClinVar (database versions not stated): ExAC 0.00001; gnomAD 0.00001; gnomAD exomes 0.00001; TOPMed 0.00001.
gnomAD v4.1: 17 of 1,614,110 alleles (0.0011%); highest among the groups gnomAD compares: Non-Finnish European, 0.0014%; no homozygotes.

Submission:

Labcorp Genetics (formerly Invitae), Labcorp
Classification: Uncertain significance for Atrial fibrillation, familial, 7. Last evaluated: 2025-10-13. Review status: criteria provided, single submitter. Criteria: Invitae Variant Classification Sherloc (09022015). Collection method: clinical testing. Allele origin: germline.
Comment: This sequence change replaces valine, which is neutral and non-polar, with methionine, which is neutral and non-polar, at codon 496 of the KCNA5 protein (p.Val496Met). This variant is present in population databases (rs757749649, gnomAD 0.002%). This variant has not been reported in the literature in individuals affected with KCNA5-related conditions. ClinVar contains an entry for this variant (Variation ID: 1026851). Invitae Evidence Modeling of protein sequence and biophysical properties (such as structural, functional, and spatial information, amino acid conservation, physicochemical variation, residue mobility, and thermodynamic stability) indicates that this missense variant is expected to disrupt KCNA5 protein function with a positive predictive value of 80%. In summary, the available evidence is currently insufficient to determine the role of this variant in disease. Therefore, it has been classified as a Variant of Uncertain Significance.